The following is an entry in ClinVar:

NM_000089.4(COL1A2):c.2188-6_2188-1dup

Gene: COL1A2 (collagen type I alpha 2 chain; plus strand). Cytogenetic location: 7q21.3.
Variant type: Duplication.
Coding change: c.2188-6_2188-1dup on transcript NM_000089.4 (MANE Select); 6 bases into the intron before coding-DNA position 2188 through the canonical splice acceptor site of the intron before coding-DNA position 2188, 6 bases duplicated (CAACAG; older notation c.2188-6_2188-1dupCAACAG).
Molecular consequence: splice acceptor variant.
Genome position (GRCh38, 1-based): chr7:94,420,535-94,420,540, CAACAG duplicated. VCF-style (leftmost placement, unchanged base first): chr7-94420534-C-CCAACAG. GRCh37 (hg19) VCF-style: chr7-94049846-C-CCAACAG.
Identifiers: ClinVar variation 2950816 (VCV002950816.3), dbSNP rs2484725652, ClinGen allele CA2740097407.
Genomic context (GRCh38, chr7:94,420,534, plus strand): 5'-AAAACATCCTAAGTTGGGGAGTAGAGTGGGTCGGAATACCAGAGCTGTAACTGTTTATTT[C>CCAACAG]CAACAGGGTGCTGCTGGTCAACCTGGTGCTAAAGGAGAAAGAGGAGCCAAAGGGCCTAAG-3'

ClinVar aggregate classification (germline): Uncertain significance (1 of 4 stars; one submission).

Conditions:
Osteogenesis imperfecta type I (OI1). Also called: Lobstein disease; OI, TYPE I; OSTEOGENESIS IMPERFECTA TARDA; OSTEOGENESIS IMPERFECTA WITH BLUE SCLERAE; Osteogenesis imperfecta type 1; Lobstein's Disease. Identifiers: Orphanet 216796, Orphanet 666, MedGen C0023931, MONDO:0008146, OMIM 166200. Disease mechanism: loss of function.
Ehlers-Danlos syndrome, classic type, 1 (EDSCL1). Also called: EDS I; EHLERS-DANLOS SYNDROME, GRAVIS TYPE; EHLERS-DANLOS SYNDROME, SEVERE CLASSIC TYPE; Ehlers-Danlos syndrome, type 1; Ehlers-Danlos Syndrome, Classic Type, COL5A1-Related. Identifiers: MedGen C0268335, MONDO:0019567, OMIM 130000.

Submission:

Labcorp Genetics (formerly Invitae), Labcorp
Classification: Uncertain significance for Osteogenesis imperfecta type I; Ehlers-Danlos syndrome, classic type, 1. Last evaluated: 2024-10-29. Review status: criteria provided, single submitter. Criteria: Invitae Variant Classification Sherloc (09022015). Collection method: clinical testing. Allele origin: germline.
Comment: This sequence change falls in intron 36 of the COL1A2 gene. It does not directly change the encoded amino acid sequence of the COL1A2 protein. This variant is not present in population databases (gnomAD no frequency). This variant has not been reported in the literature in individuals affected with COL1A2-related conditions. ClinVar contains an entry for this variant (Variation ID: 2950816). Algorithms developed to predict the effect of sequence changes on RNA splicing suggest that this variant may disrupt the consensus splice site. In summary, the available evidence is currently insufficient to determine the role of this variant in disease. Therefore, it has been classified as a Variant of Uncertain Significance.